The following is an entry in ClinVar:

NM_000128.4(F11):c.218+4A>G

Gene: F11 (coagulation factor XI; plus strand). Cytogenetic location: 4q35.2.
Variant type: single nucleotide variant.
Coding change: c.218+4A>G on transcript NM_000128.4 (MANE Select); 4 bases into the intron after coding-DNA position 218, A replaced by G.
Molecular consequence: intron variant.
Genome position (GRCh38, 1-based): chr4:186,271,775, A>G. VCF-style: chr4-186271775-A-G. GRCh37 (hg19) VCF-style: chr4-187192929-A-G.
Other names: c.218+4A>G (NM_001354804.2).
Identifiers: ClinVar variation 488986 (VCV000488986.7), dbSNP rs767240420, ClinGen allele CA3163581.
Genomic context (GRCh38, chr4:186,271,775, plus strand): 5'-AAGATGTTTACTCTTCACTTTCACGGCGGAATCACCATCTGAGGATCCCACCCGATGGTA[A>G]ATGCTTATGTTTCTACATCGAGGAGACAGATTTTTAAAGGGAGATTGCTATTCTTAACAC-3'

ClinVar aggregate classification (germline): Conflicting classifications of pathogenicity. Review status: criteria provided, conflicting classifications (1 of 4 stars). 5 submissions from 5 submitters: Likely pathogenic (2); Uncertain significance (1). 2 of the submissions do not count toward it. Last evaluated 2025-07-10.

Conditions:
Plasma factor XI deficiency.
Hereditary factor XI deficiency disease. Also called: Congenital factor XI deficiency; PTA DEFICIENCY; PLASMA THROMBOPLASTIN ANTECEDENT DEFICIENCY; ROSENTHAL SYNDROME. Identifiers: Orphanet 329, MedGen C0015523, MeSH D005173, MONDO:0012897, OMIM 612416.

Allele frequency attached by ClinVar (database versions not stated): gnomAD exomes below 0.00001; ExAC 0.00001.
gnomAD v4.1: 3 of 1,614,162 alleles (0.00019%); highest among the groups gnomAD compares: South Asian, 0.0033%; no homozygotes.

Submissions (5):

First Genomix Gene Laboratory, Genetic Diagnostics Department
Classification: Likely pathogenic for Hereditary factor XI deficiency disease. Last evaluated: 2025-07-10. Review status: criteria provided, single submitter. Criteria: ACMG Guidelines, 2015. Collection method: clinical testing. Allele origin: germline. Inheritance: Autosomal recessive inheritance. Affected: no. Observed: 1 variant allele.

Institute of Medical Genetics and Genomics, Sir Ganga Ram Hospital
Classification: Likely pathogenic for Hereditary factor XI deficiency disease. Last evaluated: 2023-06-23. Review status: criteria provided, single submitter. Criteria: ACMG Guidelines, 2015. Collection method: clinical testing. Allele origin: inherited. Inheritance: Autosomal recessive inheritance. Affected: yes. Observed: 1 homozygote.
Comment: This variant has been observed in 0.0004% gnomAD (aggregated) database (PM2_Moderate). Splice site predictors have predicted to cause deleterious effect (PP3_moderate). PMID: 27710856 has reported this variant previously in 2016.

GeneDx
Classification: Uncertain significance. Last evaluated: 2017-12-07. Review status: criteria provided, single submitter. Criteria: GeneDx Variant Classification (06012015). Collection method: clinical testing. Allele origin: germline. Affected: yes.
Comment: The c.218+4A>G variant in the F11 gene has been reported previously in association with factor XI deficiency, in affected individuals who homozygous or heterozygous for the c.218+4A>G variant (Kawankar et al., 2016). This variant reduces the quality of the splice donor site in intron 3, and is expected to cause abnormal gene splicing. However, in the absence of RNA/functional studies, the actual effect of c.218+4A>G in this individual is unknown. The c.218+4A>G variant is not observed at a significant frequency in large population cohorts (Lek et al., 2016). We interpret c.218+4A>G as a variant of uncertain significance.

Natera, Inc.
Classification: Uncertain significance for Plasma factor XI deficiency. Last evaluated: 2020-03-03. Review status: no assertion criteria provided. Collection method: clinical testing. Allele origin: germline. Not counted in ClinVar's aggregate classification.

Counsyl
Classification: Uncertain significance for Hereditary factor XI deficiency disease. Last evaluated: 2017-08-08. Review status: no assertion criteria provided. Collection method: clinical testing. Allele origin: unknown. Not counted in ClinVar's aggregate classification.

Literature cited by the submitters: PubMed 27710856 (cited by Institute of Medical Genetics and Genomics, Sir Ganga Ram Hospital and Counsyl).